The following is an entry in ClinVar:

ClinVar aggregate classification (germline): Uncertain significance (1 of 4 stars; one submission).

Submission:

GeneDx
Classification: Uncertain significance. Last evaluated: 2024-01-29. Review status: criteria provided, single submitter. Criteria: GeneDx Variant Classification Process June 2021. Collection method: clinical testing. Allele origin: germline. Affected: yes.
Comment: Not observed at significant frequency in large population cohorts (gnomAD); In silico analysis supports that this missense variant has a deleterious effect on protein structure/function; Has not been previously published as pathogenic or benign to our knowledge

NM_001127222.2(CACNA1A):c.4949G>A (p.Gly1650Glu)

Gene: CACNA1A (calcium voltage-gated channel subunit alpha1 A; minus strand). Cytogenetic location: 19p13.13.
Variant type: single nucleotide variant.
Coding change: c.4949G>A on transcript NM_001127222.2 (MANE Select); coding-DNA position 4949, G replaced by A.
Protein change: p.Gly1650Glu; replaces glycine 1650 with glutamic acid.
Molecular consequence: missense variant.
Genome position (GRCh38, 1-based): chr19:13,245,183, C>T on the plus strand (G>A on the coding strand, the complement: CACNA1A is on the minus strand). VCF-style: chr19-13245183-C-T. GRCh37 (hg19) VCF-style: chr19-13355997-C-T.
Other names: c.4961G>A, p.Gly1654Glu (NM_000068.4, NM_023035.3); c.4952G>A, p.Gly1651Glu (NM_001127221.2, NM_001174080.2); short protein forms G1650E, G1651E, G1654E.
Identifiers: ClinVar variation 3368433 (VCV003368433.1).
Genomic context (GRCh38, chr19:13,245,183, plus strand): 5'-CCTGCCGCCTGCCTCGTCCAGCCCAGAGTCACCCAGAGAGAAGCTGGAGGGAGACTTACC[C>T]CAAACTCAGTCACGAGGATATCGGTGATGCTGCCCAGAACAGTCACAAAGTCGAAGATGT-3'
Protein context (NP_001120694.1, residues 1640-1660): SITDILVTEF[Gly1650Glu]NNFINLSFLR